The following is an entry in ClinVar:

ClinVar aggregate classification (germline): Likely benign. Review status: criteria provided, multiple submitters, no conflicts (2 of 4 stars). 4 submissions from 4 submitters: Likely benign (4). Last evaluated 2026-01-12.

Conditions:
Developmental and epileptic encephalopathy, 25 (DEE25). Also called: Epileptic encephalopathy, early infantile, 25; Developmental and epileptic encephalopathy 25, with amelogenesis imperfecta; Epileptic encephalopathy, early infantile, 25, with amelogenesis imperfecta. Identifiers: Orphanet 442835, MedGen C4014621, MONDO:0014392, OMIM 615905.

Allele frequency attached by ClinVar (database versions not stated): gnomAD exomes 0.00007 and 0.00012; ExAC 0.00017; gnomAD 0.00039 and 0.00041; TOPMed 0.00039; ESP Exome Variant Server 0.00046; 1000 Genomes Project 0.00060; 1000 Genomes Project 30x 0.00062.
gnomAD v4.1: 158 of 1,614,208 alleles (0.0098%); highest among the groups gnomAD compares: African/African-American, 0.14%; 1 homozygote.

Submissions (4):

Labcorp Genetics (formerly Invitae), Labcorp
Classification: Likely benign for Developmental and epileptic encephalopathy, 25. Last evaluated: 2026-01-12. Review status: criteria provided, single submitter. Criteria: Invitae Variant Classification Sherloc (09022015). Collection method: clinical testing. Allele origin: germline.

ARUP Laboratories, Molecular Genetics and Genomics, ARUP Laboratories
Classification: Likely benign for Developmental and epileptic encephalopathy, 25. Last evaluated: 2024-01-17. Review status: criteria provided, single submitter. Criteria: ARUP Molecular Germline Variant Investigation Process 2024. Collection method: clinical testing. Allele origin: germline.

CeGaT Center for Human Genetics Tuebingen
Classification: Likely benign. Last evaluated: 2023-11-01. Review status: criteria provided, single submitter. Criteria: CeGaT Center For Human Genetics Tuebingen Variant Classification Criteria Version 2. Collection method: clinical testing. Allele origin: germline. Affected: yes. Observed: 2 variant alleles.
Comment: SLC13A5: BP4, BP7

GeneDx
Classification: Likely benign. Last evaluated: 2021-10-26. Review status: criteria provided, single submitter. Criteria: GeneDx Variant Classification Process June 2021. Collection method: clinical testing. Allele origin: germline. Affected: yes.

NM_177550.5(SLC13A5):c.690C>T (p.Asn230=)

Gene: SLC13A5 (solute carrier family 13 member 5; minus strand). Cytogenetic location: 17p13.1.
Variant type: single nucleotide variant.
Coding change: c.690C>T on transcript NM_177550.5 (MANE Select); coding-DNA position 690, C replaced by T.
Protein change: p.Asn230=; no amino-acid change (asparagine 230 retained).
Molecular consequence: synonymous variant.
Genome position (GRCh38, 1-based): chr17:6,702,996, G>A on the plus strand (C>T on the coding strand, the complement: SLC13A5 is on the minus strand). VCF-style: chr17-6702996-G-A. GRCh37 (hg19) VCF-style: chr17-6606315-G-A.
Other names: c.690C>T, p.Asn230= (NM_001143838.3); c.639C>T, p.Asn213= (NM_001284509.2); c.561C>T, p.Asn187= (NM_001284510.2).
Identifiers: ClinVar variation 391182 (VCV000391182.49), dbSNP rs146385318, ClinGen allele CA8331648.